The following is an entry in ClinVar:

NM_020693.4(DSCAML1):c.6098C>T (p.Ser2033Leu)

Gene: DSCAML1 (DS cell adhesion molecule like 1; minus strand). Cytogenetic location: 11q23.3.
Variant type: single nucleotide variant.
Coding change: c.6098C>T on transcript NM_020693.4 (MANE Select); coding-DNA position 6098, C replaced by T.
Protein change: p.Ser2033Leu; replaces serine 2033 with leucine.
Molecular consequence: missense variant.
Genome position (GRCh38, 1-based): chr11:117,428,392, G>A on the plus strand (C>T on the coding strand, the complement: DSCAML1 is on the minus strand). VCF-style: chr11-117428392-G-A. GRCh37 (hg19) VCF-style: chr11-117299108-G-A.
Other names: short protein forms S2033L.
Identifiers: ClinVar variation 4797353 (VCV004797353.1).
Genomic context (GRCh38, chr11:117,428,392, plus strand): 5'-ACCAGGGTGTAGGATTTGGAGTAGGCCCCGGCCCCCTGCTTCTGAGACCTCCCTACCCCC[G>A]ATGTGCTCATCTCGAGAAGCGAGTCCCTGGAGCCCCCCATTTTGGTGTGTGGGCCCCCGG-3'
Protein context (NP_065744.3, residues 2023-2043): SRDSLLEMST[Ser2033Leu]GVGRSQKQGA

ClinVar aggregate classification (germline): Uncertain significance (1 of 4 stars; one submission).

gnomAD v4.1: 39 of 1,584,232 alleles (0.0025%); highest among the groups gnomAD compares: Admixed American, 0.0039%; no homozygotes.

Submission:

Labcorp Genetics (formerly Invitae), Labcorp
Classification: Uncertain significance. Last evaluated: 2025-03-05. Review status: criteria provided, single submitter. Criteria: Invitae Variant Classification Sherloc (09022015). Collection method: clinical testing. Allele origin: germline.
Comment: This sequence change replaces serine, which is neutral and polar, with leucine, which is neutral and non-polar, at codon 2093 of the DSCAML1 protein (p.Ser2093Leu). This variant is present in population databases (rs776993235, gnomAD 0.005%). This variant has not been reported in the literature in individuals affected with DSCAML1-related conditions. An algorithm developed to predict the effect of missense changes on protein structure and function (PolyPhen-2) suggests that this variant is likely to be tolerated. In summary, the available evidence is currently insufficient to determine the role of this variant in disease. Therefore, it has been classified as a Variant of Uncertain Significance.